The following is an entry in ClinVar:

NM_133433.4(NIPBL):c.86del (p.Pro29fs)

Gene: NIPBL (NIPBL cohesin loading factor; plus strand). Cytogenetic location: 5p13.2.
Variant type: Deletion.
Coding change: c.86del on transcript NM_133433.4 (MANE Select); coding-DNA position 86, one base deleted (C; older notation c.86delC).
Protein change: p.Pro29fs; shifts the reading frame from proline 29.
Molecular consequence: frameshift variant.
Genome position (GRCh38, 1-based): chr5:36,955,493, C deleted; the last of 2 consecutive C bases (chr5:36,955,492-36,955,493); deleting either gives the same sequence. VCF-style (leftmost placement, unchanged base first): chr5-36955491-TC-T. GRCh37 (hg19) VCF-style: chr5-36955593-TC-T.
Other names: c.86del, p.Pro29fs (NM_015384.5); short protein forms P29fs.
Identifiers: ClinVar variation 159249 (VCV000159249.14), dbSNP rs587784060, ClinGen allele CA272330.

ClinVar aggregate classification (germline): Pathogenic. Review status: criteria provided, multiple submitters, no conflicts (2 of 4 stars). 3 submissions from 3 submitters: Pathogenic (3). Last evaluated 2021-07-15.

Conditions:
Cornelia de Lange syndrome 1 (CDLS1). Also called: Brachmann de Lange syndrome; NIPBL-Related Cornelia de Lange Syndrome; TYPUS DEGENERATIVUS AMSTELODAMENSIS. Identifiers: Orphanet 199, MedGen C4551851, MONDO:0007387, OMIM 122470.

Submissions (3):

Genome-Nilou Lab
Classification: Pathogenic for Cornelia de Lange syndrome 1. Last evaluated: 2021-07-15. Review status: criteria provided, single submitter. Criteria: ACMG Guidelines, 2015. Collection method: clinical testing. Allele origin: germline. Affected: no.

Labcorp Genetics (formerly Invitae), Labcorp
Classification: Pathogenic for Cornelia de Lange syndrome 1. Last evaluated: 2019-04-18. Review status: criteria provided, single submitter. Criteria: Invitae Variant Classification Sherloc (09022015). Collection method: clinical testing. Allele origin: germline.
Comment: This sequence change creates a premature translational stop signal (p.Pro29Hisfs*18) in the NIPBL gene. It is expected to result in an absent or disrupted protein product. For these reasons, this variant has been classified as Pathogenic. Loss-of-function variants in NIPBL are known to be pathogenic (PMID: 15318302, 19763162, 23505322, 29995837). This variant has not been reported in the literature in individuals with NIPBL-related conditions. ClinVar contains an entry for this variant (Variation ID: 159249). This variant is not present in population databases (ExAC no frequency).

Genetic Services Laboratory, University of Chicago
Classification: Pathogenic for Cornelia de Lange syndrome 1. Last evaluated: 2013-02-08. Review status: criteria provided, single submitter. Criteria: ACMG Guidelines, 2007. Collection method: clinical testing. Allele origin: germline. Inheritance: Autosomal dominant inheritance. Affected: yes.

Literature cited by the submitters: PubMed 15318302 (cited by Labcorp Genetics (formerly Invitae), Labcorp); PubMed 19763162 (cited by Labcorp Genetics (formerly Invitae), Labcorp); PubMed 23505322 (cited by Labcorp Genetics (formerly Invitae), Labcorp); PubMed 29995837 (cited by Labcorp Genetics (formerly Invitae), Labcorp).